The following is an entry in ClinVar:

NM_000218.3(KCNQ1):c.376C>T (p.His126Tyr)

Gene: KCNQ1 (potassium voltage-gated channel subfamily Q member 1; plus strand). Cytogenetic location: 11p15.5.
Variant type: single nucleotide variant.
Coding change: c.376C>T on transcript NM_000218.3 (MANE Select); coding-DNA position 376, C replaced by T.
Protein change: p.His126Tyr; replaces histidine 126 with tyrosine.
Molecular consequence: missense variant.
Genome position (GRCh38, 1-based): chr11:2,445,474, C>T. VCF-style: chr11-2445474-C-T. GRCh37 (hg19) VCF-style: chr11-2466704-C-T.
Other names: c.376C>T, p.His126Tyr (NM_001406836.1, NM_001406838.1); c.14C>T, p.Pro5Leu (NM_001406837.1); short protein forms H126Y, P5L.
Identifiers: ClinVar variation 4754808 (VCV004754808.1).

ClinVar aggregate classification (germline): Uncertain significance (1 of 4 stars; one submission).

Conditions:
Long QT syndrome (LQTS). Identifiers: MedGen C0023976, MeSH D008133, MONDO:0002442. Disease mechanism: loss of function. Inheritance: Various modes of inheritance.

Submission:

Labcorp Genetics (formerly Invitae), Labcorp
Classification: Uncertain significance for Long QT syndrome. Last evaluated: 2026-01-22. Review status: criteria provided, single submitter. Criteria: Invitae Variant Classification Sherloc (09022015). Collection method: clinical testing. Allele origin: germline.
Comment: This sequence change replaces histidine, which is basic and polar, with tyrosine, which is neutral and polar, at codon 126 of the KCNQ1 protein (p.His126Tyr). This variant is not present in population databases (gnomAD no frequency). This variant has not been reported in the literature in individuals affected with KCNQ1-related conditions. Invitae Evidence Modeling of protein sequence and biophysical properties (such as structural, functional, and spatial information, amino acid conservation, physicochemical variation, residue mobility, and thermodynamic stability) indicates that this missense variant is expected to disrupt KCNQ1 protein function with a positive predictive value of 95%. In summary, the available evidence is currently insufficient to determine the role of this variant in disease. Therefore, it has been classified as a Variant of Uncertain Significance.